The following is an entry in ClinVar:

ClinVar aggregate classification (germline): Likely benign (1 of 4 stars; one submission).

Allele frequency attached by ClinVar (database versions not stated): ExAC 0.00014; gnomAD exomes 0.00011 and 0.00014; gnomAD 0.00007 and 0.00008; TOPMed 0.00007.
gnomAD v4.1: 179 of 1,614,132 alleles (0.011%); highest among the groups gnomAD compares: Non-Finnish European, 0.014%; no homozygotes.

Submission:

Laboratory for Molecular Medicine, Mass General Brigham Personalized Medicine
Classification: Likely benign. Last evaluated: 2015-04-23. Review status: criteria provided, single submitter. Criteria: LMM Criteria. Collection method: clinical testing. Allele origin: germline. Observed: 1 variant allele.
Comment: p.Thr68Thr in exon 3 of NEBL: This variant is not expected to have clinical sign ificance because it does not alter an amino acid residue and is not located with in the splice consensus sequence. It has been identified in 17/66740 European ch romosomes by the Exome Aggregation Consortium (ExAC. org; dbSNP rs150102825).

NM_213569.2(NEBL):c.204A>T (p.Thr68=)

Gene: NEBL (nebulette; minus strand). Cytogenetic location: 10p12.31.
Variant type: single nucleotide variant.
Coding change: c.204A>T on transcript NM_213569.2; coding-DNA position 204, A replaced by T.
Protein change: p.Thr68=; no amino-acid change (threonine 68 retained).
Molecular consequence: synonymous variant.
Genome position (GRCh38, 1-based): chr10:21,020,162, T>A on the plus strand (A>T on the coding strand, the complement: NEBL is on the minus strand). VCF-style: chr10-21020162-T-A. GRCh37 (hg19) VCF-style: chr10-21309091-T-A.
Other names: c.204A>T, p.Thr68= (NM_001173484.2, NM_001377322.1); c.156A>T, p.Thr52= (NM_001377323.1); c.147A>T, p.Thr49= (NM_001377324.1); c.138A>T, p.Thr46= (NM_001377325.1); c.96A>T, p.Thr32= (NM_001377326.1, NM_001377327.1, NM_001377328.1).
Identifiers: ClinVar variation 227739 (VCV000227739.16), dbSNP rs563150056, ClinGen allele CA5433486.